The following is an entry in ClinVar:

NM_001267550.2(TTN):c.28906T>C (p.Cys9636Arg)

Gene: TTN (titin; minus strand). Cytogenetic location: 2q31.2.
Variant type: single nucleotide variant.
Coding change: c.28906T>C on transcript NM_001267550.2 (MANE Select); coding-DNA position 28906, T replaced by C.
Protein change: p.Cys9636Arg; replaces cysteine 9636 with arginine.
Molecular consequence: missense variant. On other transcripts: intron variant (3).
Genome position (GRCh38, 1-based): chr2:178,707,661, A>G on the plus strand (T>C on the coding strand, the complement: TTN is on the minus strand). VCF-style: chr2-178707661-A-G. GRCh37 (hg19) VCF-style: chr2-179572388-A-G.
Other names: c.27955T>C, p.Cys9319Arg (NM_001256850.1); c.25174T>C, p.Cys8392Arg (NM_133378.4); c.13282+30421T>C (NM_003319.4); c.13858+30421T>C (NM_133437.4); c.13657+30421T>C (NM_133432.3); short protein forms C8392R, C9319R, C9636R.
Identifiers: ClinVar variation 2428967 (VCV002428967.4), dbSNP rs2076080616, ClinGen allele CA349587164.

ClinVar aggregate classification (germline): Uncertain significance (1 of 4 stars; one submission).

Allele frequency attached by ClinVar (database versions not stated): gnomAD exomes below 0.00001; TOPMed 0.00001.
gnomAD v4.1: 2 of 1,613,930 alleles (0.00012%); no homozygotes.

Submission:

GeneDx
Classification: Uncertain significance. Last evaluated: 2026-05-28. Review status: criteria provided, single submitter. Criteria: GeneDx Variant Classification Process June 2021. Collection method: clinical testing. Allele origin: germline.
Comment: Not observed at significant frequency in large population cohorts (gnomAD); Missense variant in a gene in which most reported pathogenic variants are truncating/loss of function; Has not been previously published as pathogenic or benign to our knowledge